The following is an entry in ClinVar:

NM_003322.6(TULP1):c.944G>A (p.Gly315Asp)

Gene: TULP1 (TUB like protein 1; minus strand). Cytogenetic location: 6p21.31.
Variant type: single nucleotide variant.
Coding change: c.944G>A on transcript NM_003322.6 (MANE Select); coding-DNA position 944, G replaced by A.
Protein change: p.Gly315Asp; replaces glycine 315 with aspartic acid.
Molecular consequence: missense variant.
Genome position (GRCh38, 1-based): chr6:35,506,058, C>T on the plus strand (G>A on the coding strand, the complement: TULP1 is on the minus strand). VCF-style: chr6-35506058-C-T. GRCh37 (hg19) VCF-style: chr6-35473835-C-T.
Other names: c.785G>A, p.Gly262Asp (NM_001289395.2); short protein forms G262D, G315D.
Identifiers: ClinVar variation 2710909 (VCV002710909.3), dbSNP rs2533795941, ClinGen allele CA363780177.

ClinVar aggregate classification (germline): Uncertain significance (1 of 4 stars; one submission).

Submission:

Labcorp Genetics (formerly Invitae), Labcorp
Classification: Uncertain significance. Last evaluated: 2023-05-24. Review status: criteria provided, single submitter. Criteria: Invitae Variant Classification Sherloc (09022015). Collection method: clinical testing. Allele origin: germline.
Comment: This sequence change replaces glycine, which is neutral and non-polar, with aspartic acid, which is acidic and polar, at codon 315 of the TULP1 protein (p.Gly315Asp). This variant is not present in population databases (gnomAD no frequency). This variant has not been reported in the literature in individuals affected with TULP1-related conditions. Advanced modeling of protein sequence and biophysical properties (such as structural, functional, and spatial information, amino acid conservation, physicochemical variation, residue mobility, and thermodynamic stability) performed at Invitae indicates that this missense variant is expected to disrupt TULP1 protein function. In summary, the available evidence is currently insufficient to determine the role of this variant in disease. Therefore, it has been classified as a Variant of Uncertain Significance.